The following is an entry in ClinVar:

NM_000322.5(PRPH2):c.641_652del (p.Cys214_Ser217del)

Gene: PRPH2 (peripherin 2; minus strand). Cytogenetic location: 6p21.1.
Variant type: Deletion.
Coding change: c.641_652del on transcript NM_000322.5 (MANE Select); coding-DNA positions 641 to 652, 12 bases deleted (GCAATCCTAGCT).
Protein change: p.Cys214_Ser217del.
Molecular consequence: inframe deletion.
Genome position (GRCh38, 1-based): chr6:42,704,541-42,704,552, AGCTAGGATTGC deleted on the plus strand (GCAATCCTAGCT on the coding strand, the reverse complement: PRPH2 is on the minus strand); deleting any 12 consecutive bases within chr6:42,704,541-42,704,555 gives the same sequence; the c. name uses the placement nearest the transcript's 3' end. VCF-style (leftmost placement, unchanged base first): chr6-42704540-GAGCTAGGATTGC-G. GRCh37 (hg19) VCF-style: chr6-42672278-GAGCTAGGATTGC-G.
Identifiers: ClinVar variation 1026875 (VCV001026875.10), dbSNP rs1800115217, ClinGen allele CA1624170371.

ClinVar aggregate classification (germline): Pathogenic (1 of 4 stars; one submission).

Conditions:
PRPH2-related disorder. Also called: PRPH2-related disorders; PRPH2-related condition. Identifiers: MedGen CN239395.

Submission:

Labcorp Genetics (formerly Invitae), Labcorp
Classification: Pathogenic for PRPH2-related disorder. Last evaluated: 2023-07-17. Review status: criteria provided, single submitter. Criteria: Invitae Variant Classification Sherloc (09022015). Collection method: clinical testing. Allele origin: germline.
Comment: For these reasons, this variant has been classified as Pathogenic. This variant disrupts a region of the PRPH2 protein in which other variant(s) (p.Pro216Leu) have been determined to be pathogenic (PMID: 1684223, 12925772, 28076437). This suggests that this is a clinically significant region of the protein, and that variants that disrupt it are likely to be disease-causing. ClinVar contains an entry for this variant (Variation ID: 1026875). This variant, c.641_652del, results in the deletion of 4 amino acid(s) of the PRPH2 protein (p.Cys214_Ser217del), but otherwise preserves the integrity of the reading frame. This variant has not been reported in the literature in individuals affected with PRPH2-related conditions. This variant is not present in population databases (gnomAD no frequency).

Literature cited by the submitters: PubMed 1684223; PubMed 12925772; PubMed 28076437.